The following is an entry in ClinVar:

ClinVar aggregate classification (germline): Conflicting classifications of pathogenicity. Review status: criteria provided, conflicting classifications (1 of 4 stars). 3 submissions from 3 submitters: Uncertain significance (2); Likely benign (1). Last evaluated 2025-09-24.

Conditions:
Hereditary cancer-predisposing syndrome. Also called: Neoplastic Syndromes, Hereditary; Tumor predisposition; Hereditary neoplastic syndrome; Hereditary Cancer Syndrome. Identifiers: Orphanet 140162, MedGen C0027672, MeSH D009386, MONDO:0015356.
Familial cancer of breast. Also called: BREAST CANCER, FAMILIAL; Hereditary breast cancer; hereditary breast carcinoma. Identifiers: Orphanet 227535, MedGen C0346153, MONDO:0016419, OMIM 114480. Disease mechanism: loss of function.

Allele frequency attached by ClinVar (database versions not stated): gnomAD exomes below 0.00001.
gnomAD v4.1: 1 of 1,607,366 alleles (0.000062%); no homozygotes.

Submissions (3):

Labcorp Genetics (formerly Invitae), Labcorp
Classification: Uncertain significance for Familial cancer of breast. Last evaluated: 2025-09-24. Review status: criteria provided, single submitter. Criteria: Invitae Variant Classification Sherloc (09022015). Collection method: clinical testing. Allele origin: germline.
Comment: This sequence change falls in intron 11 of the PALB2 gene. It does not directly change the encoded amino acid sequence of the PALB2 protein. It affects a nucleotide within the consensus splice site. The frequency data for this variant in the population databases is considered unreliable, as metrics indicate poor data quality at this position in the gnomAD database. This variant has not been reported in the literature in individuals affected with PALB2-related conditions. ClinVar contains an entry for this variant (Variation ID: 630056). Variants that disrupt the consensus splice site are a relatively common cause of aberrant splicing (PMID: 17576681, 9536098). Algorithms developed to predict the effect of sequence changes on RNA splicing suggest that this variant is not likely to affect RNA splicing. In summary, the available evidence is currently insufficient to determine the role of this variant in disease. Therefore, it has been classified as a Variant of Uncertain Significance.

Ambry Genetics
Classification: Uncertain significance for Hereditary cancer-predisposing syndrome. Last evaluated: 2024-07-11. Review status: criteria provided, single submitter. Criteria: Ambry Variant Classification Scheme 2023. Collection method: clinical testing. Allele origin: germline.
Comment: The c.3201+4A>G intronic variant results from an A to G substitution 4 nucleotides after coding exon 11 in the PALB2 gene. This nucleotide position is not well conserved in available vertebrate species. In silico splice site analysis predicts that this alteration may weaken the native splice donor site. Based on the available evidence, the clinical significance of this variant remains unclear.

Color Diagnostics, LLC DBA Color Health
Classification: Likely benign for Hereditary cancer-predisposing syndrome. Last evaluated: 2016-12-01. Review status: criteria provided, single submitter. Criteria: ACMG Guidelines, 2015. Collection method: clinical testing. Allele origin: germline.

Literature cited by the submitters: PubMed 17576681 (cited by Labcorp Genetics (formerly Invitae), Labcorp); PubMed 9536098 (cited by Labcorp Genetics (formerly Invitae), Labcorp).

NM_024675.4(PALB2):c.3201+4A>G

Gene: PALB2 (partner and localizer of BRCA2; minus strand). Cytogenetic location: 16p12.2.
Variant type: single nucleotide variant.
Coding change: c.3201+4A>G on transcript NM_024675.4 (MANE Select); 4 bases into the intron after coding-DNA position 3201, A replaced by G.
Molecular consequence: intron variant.
Genome position (GRCh38, 1-based): chr16:23,614,000, T>C on the plus strand (A>G on the coding strand, the complement: PALB2 is on the minus strand). VCF-style: chr16-23614000-T-C. GRCh37 (hg19) VCF-style: chr16-23625321-T-C.
Identifiers: ClinVar variation 630056 (VCV000630056.11), dbSNP rs1226634357, ClinGen allele CA621354618.